The following is an entry in ClinVar:

ClinVar aggregate classification (germline): Pathogenic/Likely pathogenic. Review status: criteria provided, multiple submitters, no conflicts (2 of 4 stars). 23 submissions from 23 submitters: Pathogenic (14); Likely pathogenic (4). 5 of the submissions do not count toward it. Last evaluated 2026-01-21.

Conditions:
MYBPC3-related disorder. Also called: MYBPC3-related condition; MYBPC3-related disease; MYBPC3-related disorders.
Cardiovascular phenotype. Identifiers: MedGen CN230736.
Left ventricular noncompaction 10 (LVNC10). Identifiers: Orphanet 154, Orphanet 54260, MedGen C3715165, MONDO:0014163, OMIM 615396.
Hypertrophic cardiomyopathy 4. Also called: Familial hypertrophic cardiomyopathy 4. Identifiers: MedGen C1861862, MONDO:0007268, OMIM 115197.
Cardiomyopathy (CMYO). Also called: Cardiomyopathies. Identifiers: Orphanet 167848, MedGen C0878544, MONDO:0004994, HP:0001638. Inheritance: Various modes of inheritance.
Primary familial hypertrophic cardiomyopathy (HCM). Identifiers: Orphanet 99739, MedGen C0949658, MeSH D024741, MONDO:0024573. Inheritance: Various modes of inheritance.
Hypertrophic cardiomyopathy. Also called: HYPERTROPHIC MYOCARDIOPATHY. Identifiers: Orphanet 217569, MedGen C0007194, MeSH D002312, MONDO:0005045, HP:0001639.

Allele frequency attached by ClinVar (database versions not stated): ExAC 0.00001; gnomAD exomes 0.00002.
gnomAD v4.1: 10 of 1,614,020 alleles (0.00062%); highest among the groups gnomAD compares: Admixed American, 0.005%; no homozygotes.

Submissions 1 to 9 of 23:

Labcorp Genetics (formerly Invitae), Labcorp
Classification: Pathogenic for Hypertrophic cardiomyopathy. Last evaluated: 2026-01-21. Review status: criteria provided, single submitter. Criteria: Invitae Variant Classification Sherloc (09022015). Collection method: clinical testing. Allele origin: germline.
Comment: This sequence change replaces aspartic acid, which is acidic and polar, with asparagine, which is neutral and polar, at codon 770 of the MYBPC3 protein (p.Asp770Asn). This variant also falls at the last nucleotide of exon 23, which is part of the consensus splice site for this exon. This variant is present in population databases (rs36211723, gnomAD 0.009%). This missense change has been observed in individuals with hypertrophic cardiomyopathy (PMID: 15519027, 18273486, 18533079, 22555271, 24111713, 25740977, 28356264). ClinVar contains an entry for this variant (Variation ID: 36604). An algorithm developed to predict the effect of missense changes on protein structure and function (PolyPhen-2) suggests that this variant is likely to be disruptive. Studies have shown that this missense change alters MYBPC3 gene expression (PMID: 25031304). Variants that disrupt the consensus splice site are a relatively common cause of aberrant splicing (PMID: 17576681, 9536098). Algorithms developed to predict the effect of sequence changes on RNA splicing suggest that this variant may disrupt the consensus splice site. For these reasons, this variant has been classified as Pathogenic.

Mayo Clinic Laboratories, Mayo Clinic
Classification: Pathogenic. Last evaluated: 2025-06-17. Review status: criteria provided, single submitter. Criteria: ACMG Guidelines, 2015. Collection method: clinical testing. Allele origin: germline. Observed: 1 variant allele.
Comment: PP3, PM2_supporting, PS3, PS4

Ambry Genetics
Classification: Pathogenic for Cardiovascular phenotype. Last evaluated: 2024-08-02. Review status: criteria provided, single submitter. Criteria: Ambry Variant Classification Scheme 2023. Collection method: clinical testing. Allele origin: germline.
Comment: The c.2308G>A pathogenic mutation (also known as p.D770N), located in coding exon 23 of the MYBPC3 gene, results from a G to A substitution at nucleotide position 2308. The aspartic acid at codon 770 is replaced by asparagine, an amino acid with some highly similar properties properties. However, this change occurs in the last base pair of coding exon 23, which makes it likely to have some effect on normal mRNA splicing. This alteration has been reported in a number of individuals with hypertrophic cardiomyopathy (Van Driest SL et al. J Am Coll Cardiol. 2004;44(9):1903-10; Girolami F et al. J Cardiovasc Med (Hagerstown). 2006;7(8):601-7; Tanjore RR et al. Can J Cardiol. 2008;24(2):127-30; Olivotto I et al. Mayo Clin Proc. 2008;83(6):630-8; Kindel SJ et al. J Card Fail. 2012;18(5):396-403; Miller EM et al. J Genet Couns. 2013;22(2):258-67; Berge KE and Leren TP. Clin Genet. 2014;86(4):355-60). In one study, mutant transcript containing this variant was not detected, indicating this alteration may cause aberrant splicing that could lead to haploinsufficiency (Helms AS et al. Circ Cardiovasc Genet. 2014;7(4):434-43). These nucleotide and amino acid positions are highly conserved in available vertebrate species. In silico splice site analysis predicts that this alteration will weaken the native splice donor site and may result in the creation or strengthening of a novel splice donor site. In addition, as a missense substitution, this variant is predicted to be tolerated by in silico analysis. Based on the supporting evidence, this variant is interpreted as a disease-causing mutation.

All of Us Research Program, National Institutes of Health
Classification: Pathogenic for Hypertrophic cardiomyopathy. Last evaluated: 2024-07-29. Review status: criteria provided, single submitter. Criteria: ACMG Guidelines, 2015. Collection method: clinical testing. Allele origin: germline. Inheritance: Autosomal dominant inheritance. Observed: 2 variant alleles, 2 heterozygotes.
Comment: This missense variant changes the last nucleotide c.G of exon 23 of the MYBPC3 gene and is predicted to impair RNA splicing at the intron 23 splice donor site. A study has shown that both the variant transcript and resulting truncated protein were undetectable in myocardial samples from a carrier individual (PMID: 25031304), consistent with the expected degradation of the aberrant transcript by nonsense-mediated RNA decay. This variant has been reported in over 20 individuals affected with hypertrophic cardiomyopathy (PMID: 18273486, 18533079, 23054336, 24111713, 27483260, 27532257, 27688314, 28138913, 28356264, 28658286, 28824454, 28971120, 34137518). In a study of a large cohort of individuals affected with hypertrophic cardiomyopathy, this variant was observed in 11 individuals out of total 6179 affected individuals (PMID: 27532257). This variant has been identified in 4/249118 chromosomes in the general population by the Genome Aggregation Database (gnomAD). Loss of MYBPC3 function is a known mechanism of disease. Based on the available evidence, this variant is classified as Pathogenic.

This study involves interpretation of variants in research participants for the purpose of population health screening. Participant phenotype was not available at the time of variant classification. Additional details can be found in publication PMID: 35346344, PMCID: PMC8962531

Color Diagnostics, LLC DBA Color Health
Classification: Pathogenic for Cardiomyopathy. Last evaluated: 2024-05-24. Review status: criteria provided, single submitter. Criteria: ACMG Guidelines, 2015. Collection method: clinical testing. Allele origin: germline.
Comment: This missense variant changes the last nucleotide c.G of exon 23 of the MYBPC3 gene and is predicted to impair RNA splicing at the intron 23 splice donor site. A study has shown that both the variant transcript and resulting truncated protein were undetectable in myocardial samples from a carrier individual (PMID: 25031304), consistent with the expected degradation of the aberrant transcript by nonsense-mediated RNA decay. This variant has been reported in over 20 individuals affected with hypertrophic cardiomyopathy (PMID: 18273486, 18533079, 23054336, 24111713, 27483260, 27532257, 27688314, 28138913, 28356264, 28658286, 28824454, 28971120, 34137518). In a study of a large cohort of individuals affected with hypertrophic cardiomyopathy, this variant was observed in 11 individuals out of total 6179 affected individuals (PMID: 27532257). This variant has been identified in 4/249118 chromosomes in the general population by the Genome Aggregation Database (gnomAD). Loss of MYBPC3 function is a known mechanism of disease. Based on the available evidence, this variant is classified as Pathogenic.

Molecular Diagnostic Laboratory for Inherited Cardiovascular Disease, Montreal Heart Institute
Classification: Pathogenic for Cardiovascular phenotype. Last evaluated: 2024-02-02. Review status: criteria provided, single submitter. Criteria: ACMG Guidelines, 2015. Collection method: clinical testing. Allele origin: germline. Affected: yes.
Comment: PVS1, PS4, PM2, PP5

Blueprint Genetics
Classification: Pathogenic for MYBPC3-related disorders. Last evaluated: 2024-01-11. Review status: criteria provided, single submitter. Criteria: ACMG Guidelines, 2015. Collection method: clinical testing. Allele origin: germline. Affected: yes. Observed: 5 variant alleles.

Greenwood Genetic Center Diagnostic Laboratories, Greenwood Genetic Center
Classification: Pathogenic for Hypertrophic cardiomyopathy 4. Last evaluated: 2022-10-17. Review status: criteria provided, single submitter. Criteria: ACMG Guidelines, 2015. Collection method: clinical testing. Allele origin: germline.
Comment: PS3, PS4, PM2, PP3

GeneDx
Classification: Pathogenic. Last evaluated: 2022-07-13. Review status: criteria provided, single submitter. Criteria: GeneDx Variant Classification Process June 2021. Collection method: clinical testing. Allele origin: germline. Affected: yes.
Comment: Not observed at a significant frequency in large population cohorts (gnomAD); Published expression studies revealed the absence of mutant transcript and peptide in a myocardial sample from a patient harboring this variant, providing evidence that c.2308 G>A leads to mRNA degradation (Helms et al., 2014); Alters the last nucleotide of the exon and is predicted to destroy the splice donor site and result in aberrant splicing, although in the absence of functional evidence the actual effect of this sequence change is unknown; In silico analysis supports that this missense variant has a deleterious effect on protein structure/function; This variant is associated with the following publications: (PMID: 21415409, 33906374, 34097875, 34011823, 31722741, 15519027, 18273486, 18533079, 23054336, 22555271, 16858239, 24111713, 27483260, 24510615, 27532257, 28138913, 28658286, no PMID, 28916354, 28971120, 28771489, 28679633, 29540445, 25351510, 27688314, 26090888, 25740977, 30984009, 31006259, 29997392, 30645170, 31589614, 32746448, 33190526, 25031304)

NM_000256.3(MYBPC3):c.2308G>A (p.Asp770Asn)

Gene: MYBPC3 (myosin binding protein C3; minus strand). Cytogenetic location: 11p11.2.
Variant type: single nucleotide variant.
Coding change: c.2308G>A on transcript NM_000256.3 (MANE Select); coding-DNA position 2308, G replaced by A.
Protein change: p.Asp770Asn; replaces aspartic acid 770 with asparagine.
Molecular consequence: missense variant.
Genome position (GRCh38, 1-based): chr11:47,338,520, C>T on the plus strand (G>A on the coding strand, the complement: MYBPC3 is on the minus strand). VCF-style: chr11-47338520-C-T. GRCh37 (hg19) VCF-style: chr11-47360071-C-T.
Other names: short protein forms D770N.
Identifiers: ClinVar variation 36604 (VCV000036604.50), dbSNP rs36211723, ClinGen allele CA012015.
Genomic context (GRCh38, chr11:47,338,520, plus strand): 5'-ATGGGCCCTCCTTGGGGCTGCCCCTCTGTGTTCTCCAGCTTGGACCCCGGCCGGCCTCAC[C>T]GATGACCTTGACTGTGAGGTTGACCTGGTCCTCGCCCACAGGGTTCTTCACTGTGACCGT-3'
Protein context (NP_000247.2, residues 760-780): DQVNLTVKVI[Asp770Asn]VPDAPAAPKI